The following is an entry in ClinVar:

ClinVar aggregate classification (germline): Benign/Likely benign. Review status: criteria provided, multiple submitters, no conflicts (2 of 4 stars). 8 submissions from 8 submitters: Benign (2); Likely benign (6). Last evaluated 2026-01-27.

Conditions:
LAMC2-related disorder. Also called: LAMC2-related condition.
Junctional epidermolysis bullosa. Identifiers: Orphanet 305, MedGen C0079301, MONDO:0017612.

Allele frequency attached by ClinVar (database versions not stated): ExAC 0.00188; gnomAD 0.00072 and 0.00099; ESP Exome Variant Server 0.00085; 1000 Genomes Project 30x 0.00094; TOPMed 0.00096; 1000 Genomes Project 0.00100.
gnomAD v4.1: 2,036 of 1,614,172 alleles (0.13%); highest among the groups gnomAD compares: South Asian, 0.87%; 8 homozygotes.

Submissions (8):

Labcorp Genetics (formerly Invitae), Labcorp
Classification: Likely benign. Last evaluated: 2026-01-27. Review status: criteria provided, single submitter. Criteria: Invitae Variant Classification Sherloc (09022015). Collection method: clinical testing. Allele origin: germline.

PreventionGenetics, part of Exact Sciences
Classification: Benign for LAMC2-related condition. Last evaluated: 2024-12-18. Review status: criteria provided, single submitter. Criteria: ACMG Guidelines, 2015. Collection method: clinical testing. Allele origin: germline.
Comment: This variant is classified as benign based on ACMG/AMP sequence variant interpretation guidelines (Richards et al. 2015 PMID: 25741868, with internal and published modifications).

Blueprint Genetics
Classification: Likely benign. Last evaluated: 2024-10-23. Review status: criteria provided, single submitter. Criteria: ACMG Guidelines, 2015. Collection method: clinical testing. Allele origin: germline.

CeGaT Center for Human Genetics Tuebingen
Classification: Likely benign. Last evaluated: 2023-01-01. Review status: criteria provided, single submitter. Criteria: CeGaT Center For Human Genetics Tuebingen Variant Classification Criteria Version 2. Collection method: clinical testing. Allele origin: germline. Affected: yes. Observed: 2 variant alleles.
Comment: LAMC2: BP1, BP4

Illumina Laboratory Services, Illumina
Classification: Likely benign for Junctional epidermolysis bullosa. Last evaluated: 2018-01-12. Review status: criteria provided, single submitter. Criteria: ICSL Variant Classification Criteria 13 December 2019. Collection method: clinical testing. Allele origin: germline.
Comment: This variant was observed in the ICSL laboratory as part of a predisposition screen in an ostensibly healthy population. It had not been previously curated by ICSL or reported in the Human Gene Mutation Database (HGMD: prior to June 1st, 2018), and was therefore a candidate for classification through an automated scoring system. Utilizing variant allele frequency, disease prevalence and penetrance estimates, and inheritance mode, an automated score was calculated to assess if this variant is too frequent to cause the disease. Based on the score and internal cut-off values, a variant classified as likely benign is not then subjected to further curation. The score for this variant resulted in a classification of likely benign for this disease.

Genomic Diagnostic Laboratory, Division of Genomic Diagnostics, Children's Hospital of Philadelphia
Classification: Likely benign. Last evaluated: 2015-06-19. Review status: criteria provided, single submitter. Criteria: DGD Variant Analysis Guidelines. Collection method: clinical testing. Allele origin: unknown.

Eurofins Ntd Llc (ga)
Classification: Benign. Last evaluated: 2014-12-30. Review status: criteria provided, single submitter. Criteria: EGL Classification Definitions 2015. Collection method: clinical testing. Allele origin: germline. Observed: 1 variant allele, 1 heterozygote.

Breakthrough Genomics
Classification: Likely benign. Review status: criteria provided, single submitter. Criteria: ACMG Guidelines, 2015. Collection method: not provided. Allele origin: germline. Inheritance: Autosomal recessive inheritance. Affected: yes.

NM_005562.3(LAMC2):c.3206C>T (p.Thr1069Met)

Gene: LAMC2 (laminin subunit gamma 2; plus strand). Cytogenetic location: 1q25.3.
Variant type: single nucleotide variant.
Coding change: c.3206C>T on transcript NM_005562.3 (MANE Select); coding-DNA position 3206, C replaced by T.
Protein change: p.Thr1069Met; replaces threonine 1069 with methionine.
Molecular consequence: missense variant.
Genome position (GRCh38, 1-based): chr1:183,240,176, C>T. VCF-style: chr1-183240176-C-T. GRCh37 (hg19) VCF-style: chr1-183209311-C-T.
Other names: c.3206C>T, p.Thr1069Met (NM_018891.3); short protein forms T1069M.
Identifiers: ClinVar variation 195603 (VCV000195603.63), dbSNP rs139043074, ClinGen allele CA248793.
Genomic context (GRCh38, chr1:183,240,176, plus strand): 5'-TGAAGAGTGAGATGAGGGAAGTGGAAGGAGAGCTGGAAAGGAAGGAGCTGGAGTTTGACA[C>T]GAATATGGATGCAGTACAGATGGTGAGTTCCTGTTGCTTTCCACGGGAGATCCCTTTCAA-3'
Protein context (NP_005553.2, residues 1059-1079): ELERKELEFD[Thr1069Met]NMDAVQMVIT